The following is an entry in ClinVar:

NM_000059.4(BRCA2):c.5743A>G (p.Thr1915Ala)

Gene: BRCA2 (BRCA2 DNA repair associated; plus strand). Cytogenetic location: 13q13.1.
Variant type: single nucleotide variant.
Coding change: c.5743A>G on transcript NM_000059.4 (MANE Select); coding-DNA position 5743, A replaced by G.
Protein change: p.Thr1915Ala; replaces threonine 1915 with alanine.
Molecular consequence: missense variant.
Genome position (GRCh38, 1-based): chr13:32,340,098, A>G. VCF-style: chr13-32340098-A-G. GRCh37 (hg19) VCF-style: chr13-32914235-A-G.
Other names: M1915V; p.T1915A:ACG>GCG; short protein forms T1915A.
Identifiers: ClinVar variation 126076 (VCV000126076.12), dbSNP rs80358802, ClinGen allele CA023129.

ClinVar aggregate classification (germline): Conflicting classifications of pathogenicity. Review status: criteria provided, conflicting classifications (1 of 4 stars). 4 submissions from 4 submitters: Uncertain significance (2); Likely benign (1). 1 of the submissions does not count toward it. Last evaluated 2023-03-23.

Conditions:
Hereditary cancer-predisposing syndrome. Also called: Tumor predisposition; Hereditary Cancer Syndrome; Neoplastic Syndromes, Hereditary; Hereditary neoplastic syndrome. Identifiers: Orphanet 140162, MedGen C0027672, MeSH D009386, MONDO:0015356.
Hereditary breast ovarian cancer syndrome. Also called: Hereditary breast and ovarian cancer; Hereditary breast and/or ovarian cancer syndrome; BRCA1- and BRCA2-Associated Hereditary Breast and Ovarian Cancer; Hereditary breast and ovarian cancer syndrome; Hereditary breast and ovarian cancer syndrome (HBOC); Breast and ovarian cancer. Identifiers: Orphanet 145, MedGen C0677776, MeSH D061325, MONDO:0003582. Disease mechanism: loss of function.
Breast-ovarian cancer, familial, susceptibility to, 2 (BROVCA2). Also called: BRCA2 Hereditary Breast and Ovarian Cancer. Identifiers: Orphanet 145, MedGen C2675520, MONDO:0012933, OMIM 612555. Disease mechanism: loss of function.

Submissions (4):

University of Washington Department of Laboratory Medicine, University of Washington
Classification: Likely benign for Hereditary cancer-predisposing syndrome. Last evaluated: 2023-03-23. Review status: criteria provided, single submitter. Criteria: Dines et al. (Genet Med. 2020). Collection method: curation. Allele origin: germline.
Comment: Missense variant in a coldspot region where missense variants are very unlikely to be pathogenic (PMID:31911673).

BRCA2 exon 11 coldspot. Reclassification based on statistical prior probability.

Labcorp Genetics (formerly Invitae), Labcorp
Classification: Uncertain significance for Hereditary breast ovarian cancer syndrome. Last evaluated: 2021-02-27. Review status: criteria provided, single submitter. Criteria: Invitae Variant Classification Sherloc (09022015). Collection method: clinical testing. Allele origin: germline.
Comment: This variant has not been reported in the literature in individuals with BRCA2-related conditions. ClinVar contains an entry for this variant (Variation ID: 126076). Advanced modeling of protein sequence and biophysical properties (such as structural, functional, and spatial information, amino acid conservation, physicochemical variation, residue mobility, and thermodynamic stability) performed at Invitae indicates that this missense variant is not expected to disrupt BRCA2 protein function. In summary, the available evidence is currently insufficient to determine the role of this variant in disease. Therefore, it has been classified as a Variant of Uncertain Significance. This variant is not present in population databases (ExAC no frequency). This sequence change replaces threonine with alanine at codon 1915 of the BRCA2 protein (p.Thr1915Ala). The threonine residue is weakly conserved and there is a small physicochemical difference between threonine and alanine.

GeneDx
Classification: Uncertain significance. Last evaluated: 2014-09-10. Review status: criteria provided, single submitter. Criteria: GeneDx Variant Classification (06012015). Collection method: clinical testing. Allele origin: germline. Affected: yes.
Comment: This variant is denoted BRCA2 c.5743A>G at the cDNA level, p.Thr1915Ala (T1915A) at the protein level, and results in the change of a Threonine to an Alanine (ACG>GCG). This variant has not, to our knowledge, been published in the literature as pathogenic or benign. BRCA2 Thr1915Ala was not observed in approximately 6,500 individuals of European and African American ancestry in the NHLBI Exome Sequencing Project, indicating it is not a common benign variant in these populations. Since Threonine and Alanine differ in polarity, charge, size or other properties, this is considered a non-conservative amino acid substitution. BRCA2 Thr1915Ala occurs at a position that is highly variable across species and is not located in a known functional domain. In silico analyses predict that this variant is unlikely to alter protein structure or function. Based on currently available information, it is unclear whether BRCA2 Thr1915Ala is pathogenic or benign. We consider it to be a variant of uncertain significance.

Breast Cancer Information Core (BIC) (BRCA2)
Classification: Uncertain significance for Breast-ovarian cancer, familial 2. Last evaluated: 1997-11-13. Review status: no assertion criteria provided. Collection method: clinical testing. Allele origin: germline. Affected: yes. Observed: 1 variant allele. Not counted in ClinVar's aggregate classification.